The following is an entry in ClinVar:

ClinVar aggregate classification (germline): Pathogenic (1 of 4 stars; one submission).

Submission:

Labcorp Genetics (formerly Invitae), Labcorp
Classification: Pathogenic. Last evaluated: 2023-12-29. Review status: criteria provided, single submitter. Criteria: Invitae Variant Classification Sherloc (09022015). Collection method: clinical testing. Allele origin: germline.
Comment: This sequence change creates a premature translational stop signal (p.Leu101*) in the CCDC88C gene. It is expected to result in an absent or disrupted protein product. Loss-of-function variants in CCDC88C are known to be pathogenic (PMID: 23042809, 29225145). This variant is not present in population databases (gnomAD no frequency). This variant has not been reported in the literature in individuals affected with CCDC88C-related conditions. For these reasons, this variant has been classified as Pathogenic.

Literature cited by the submitters: PubMed 23042809; PubMed 29225145.

NM_001080414.4(CCDC88C):c.302T>A (p.Leu101Ter)

Gene: CCDC88C (coiled-coil and HOOK domain protein 88C; minus strand). Cytogenetic location: 14q32.11.
Variant type: single nucleotide variant.
Coding change: c.302T>A on transcript NM_001080414.4 (MANE Select); coding-DNA position 302, T replaced by A.
Protein change: p.Leu101Ter; replaces leucine 101 with a stop codon.
Molecular consequence: nonsense.
Genome position (GRCh38, 1-based): chr14:91,359,680, A>T on the plus strand (T>A on the coding strand, the complement: CCDC88C is on the minus strand). VCF-style: chr14-91359680-A-T. GRCh37 (hg19) VCF-style: chr14-91826024-A-T.
Other names: short protein forms L101*.
Identifiers: ClinVar variation 2704867 (VCV002704867.3), dbSNP rs2139903566, ClinGen allele CA390617167.